The following is an entry in ClinVar:

ClinVar aggregate classification (germline): Benign. Review status: criteria provided, multiple submitters, no conflicts (2 of 4 stars). 5 submissions from 3 submitters: Benign (5). Last evaluated 2021-05-12.

Conditions:
Autosomal recessive nonsyndromic hearing loss 1A (DFNB1A). Also called: GJB6-Related DFNB 1 Nonsyndromic Hearing Loss and Deafness; Deafness, autosomal recessive 1A; Nonsyndromic Hearing Loss and Deafness, DFNB1; GJB2-Related Autosomal Recessive Nonsyndromic Hearing Loss; Connexin 26 deafness; Deafness nonsyndromic, Connexin 26 linked. Identifiers: Orphanet 90636, MedGen C2673759, MONDO:0009076, OMIM 220290.
Ichthyosis, hystrix-like, with hearing loss. Also called: Hystrix-like ichthyosis with deafness. Identifiers: Orphanet 477, MedGen C1865234, MONDO:0011245.
Autosomal dominant nonsyndromic hearing loss 3A. Identifiers: Orphanet 90635, MedGen C2675750, MONDO:0011103, OMIM 601544.

Allele frequency attached by ClinVar (database versions not stated): 1000 Genomes Project 30x 0.86368; gnomAD exomes 1.00000; TOPMed 0.86009; 1000 Genomes Project 0.87021.
gnomAD v4.1: 132,565 of 152,268 alleles (87%); highest among the groups gnomAD compares: East Asian, 100%; 58,617 homozygotes.

Submissions (5):

GeneDx
Classification: Benign. Last evaluated: 2021-05-12. Review status: criteria provided, single submitter. Criteria: GeneDx Variant Classification Process June 2021. Collection method: clinical testing. Allele origin: germline. Affected: yes.

Illumina Laboratory Services, Illumina
Classification: Benign for Autosomal dominant keratitis-ichthyosis-hearing loss syndrome. Last evaluated: 2018-01-13. Review status: criteria provided, single submitter. Criteria: ICSL Variant Classification Criteria 13 December 2019. Collection method: clinical testing. Allele origin: germline.
Comment: This variant was observed in the ICSL laboratory as part of a predisposition screen in an ostensibly healthy population. It had not been previously curated by ICSL or reported in the Human Gene Mutation Database (HGMD: prior to June 1st, 2018), and was therefore a candidate for classification through an automated scoring system. Utilizing variant allele frequency, disease prevalence and penetrance estimates, and inheritance mode, an automated score was calculated to assess if this variant is too frequent to cause the disease. Based on the score and internal cut-off values, a variant classified as benign is not then subjected to further curation. The score for this variant resulted in a classification of benign for this disease.

Illumina Laboratory Services, Illumina
Classification: Benign for Autosomal recessive nonsyndromic hearing loss 1A. Last evaluated: 2018-01-13. Review status: criteria provided, single submitter. Criteria: ICSL Variant Classification Criteria 13 December 2019. Collection method: clinical testing. Allele origin: germline.
Comment: the same text as in the submission from Illumina Laboratory Services, Illumina above.

Illumina Laboratory Services, Illumina
Classification: Benign for Autosomal dominant nonsyndromic hearing loss 3A. Last evaluated: 2018-01-13. Review status: criteria provided, single submitter. Criteria: ICSL Variant Classification Criteria 13 December 2019. Collection method: clinical testing. Allele origin: germline.
Comment: the same text as in the submission from Illumina Laboratory Services, Illumina above.

Breakthrough Genomics
Classification: Benign. Review status: criteria provided, single submitter. Criteria: ACMG Guidelines, 2015. Collection method: not provided. Allele origin: germline. Inheritance: Autosomal recessive inheritance. Affected: yes.

NM_004004.6(GJB2):c.*1067G>T

Gene: GJB2 (gap junction protein beta 2; minus strand). Cytogenetic location: 13q12.11.
Variant type: single nucleotide variant.
Coding change: c.*1067G>T on transcript NM_004004.6 (MANE Select); 1067 bases downstream of the stop codon, G replaced by T.
Molecular consequence: 3 prime UTR variant.
Genome position (GRCh38, 1-based): chr13:20,187,834, C>A on the plus strand (G>T on the coding strand, the complement: GJB2 is on the minus strand). VCF-style: chr13-20187834-C-A. GRCh37 (hg19) VCF-style: chr13-20761973-C-A.
Identifiers: ClinVar variation 311357 (VCV000311357.7), dbSNP rs9237, ClinGen allele CA10642988.